The following is an entry in ClinVar:

ClinVar aggregate classification (germline): Uncertain significance (1 of 4 stars; one submission).

Conditions:
Inborn genetic diseases. Identifiers: MedGen C0950123, MeSH D030342.

Allele frequency attached by ClinVar (database versions not stated): gnomAD exomes below 0.00001.
gnomAD v4.1: 1 of 1,614,210 alleles (0.000062%); highest among the groups gnomAD compares: Non-Finnish European, 0.000085%; no homozygotes.

Submission:

Ambry Genetics
Classification: Uncertain significance for Inborn genetic diseases. Last evaluated: 2021-03-16. Review status: criteria provided, single submitter. Criteria: Ambry Variant Classification Scheme 2023. Collection method: clinical testing. Allele origin: germline.
Comment: The c.256G>A (p.D86N) alteration is located in exon 2 (coding exon 2) of the AIMP2 gene. This alteration results from a G to A substitution at nucleotide position 256, causing the aspartic acid (D) at amino acid position 86 to be replaced by an asparagine (N). The p.D86N alteration is predicted to be tolerated by in silico analysis. Based on insufficient or conflicting evidence, the clinical significance of this alteration remains unclear.

NM_006303.4(AIMP2):c.256G>A (p.Asp86Asn)

Gene: AIMP2 (aminoacyl tRNA synthetase complex interacting multifunctional protein 2; plus strand). Cytogenetic location: 7p22.1.
Variant type: single nucleotide variant.
Coding change: c.256G>A on transcript NM_006303.4 (MANE Select); coding-DNA position 256, G replaced by A.
Protein change: p.Asp86Asn; replaces aspartic acid 86 with asparagine.
Molecular consequence: missense variant. On other transcripts: intron variant (1).
Genome position (GRCh38, 1-based): chr7:6,015,266, G>A. VCF-style: chr7-6015266-G-A. GRCh37 (hg19) VCF-style: chr7-6054897-G-A.
Other names: c.136G>A, p.Asp46Asn (NM_001326606.2); c.22G>A, p.Asp8Asn (NM_001326609.2, NM_001326610.2, NM_001326611.3); c.169G>A, p.Asp57Asn (NM_001362785.2); c.124G>A, p.Asp42Asn (NM_001362787.2); c.136-2548G>A (NM_001326607.2); short protein forms D46N, D57N, D8N, D42N, D86N.
Identifiers: ClinVar variation 2229514 (VCV002229514.2), dbSNP rs2536810020, ClinGen allele CA366746232.